The following is an entry in ClinVar:

ClinVar aggregate classification (germline): Likely benign. Review status: criteria provided, single submitter (1 of 4 stars). 2 submissions from 2 submitters: Likely benign (1). 1 of the submissions does not count toward it. Last evaluated 2026-01-06.

Conditions:
DOCK8-related disorder. Also called: DOCK8-related condition.
Combined immunodeficiency due to DOCK8 deficiency (HIES2). Also called: HIES autosomal recessive; HYPER-IgE SYNDROME 2, AUTOSOMAL RECESSIVE, WITH RECURRENT INFECTIONS; DOCK8 Deficiency; HYPER-IgE RECURRENT INFECTION SYNDROME 2, AUTOSOMAL RECESSIVE; Hyper-IgE recurrent infection syndrome, autosomal recessive. Identifiers: Orphanet 217390, MedGen C4722305, MONDO:0009478, OMIM 243700.

Allele frequency attached by ClinVar (database versions not stated): gnomAD 0.00003 and 0.00004; TOPMed 0.00003; ExAC 0.00012; gnomAD exomes 0.00006 and 0.00008.
gnomAD v4.1: 89 of 1,613,258 alleles (0.0055%); highest among the groups gnomAD compares: Middle Eastern, 0.054%; no homozygotes.

Submissions (2):

Labcorp Genetics (formerly Invitae), Labcorp
Classification: Likely benign for Combined immunodeficiency due to DOCK8 deficiency. Last evaluated: 2026-01-06. Review status: criteria provided, single submitter. Criteria: Invitae Variant Classification Sherloc (09022015). Collection method: clinical testing. Allele origin: germline.

PreventionGenetics, part of Exact Sciences
Classification: Likely benign for DOCK8-related condition. Last evaluated: 2019-09-17. Review status: no assertion criteria provided. Collection method: clinical testing. Allele origin: germline. Not counted in ClinVar's aggregate classification.
Comment: This variant is classified as likely benign based on ACMG/AMP sequence variant interpretation guidelines (Richards et al. 2015 PMID: 25741868, with internal and published modifications).

NM_203447.4(DOCK8):c.5868C>T (p.Thr1956=)

Gene: DOCK8 (dedicator of cytokinesis 8; plus strand). Cytogenetic location: 9p24.3.
Variant type: single nucleotide variant.
Coding change: c.5868C>T on transcript NM_203447.4 (MANE Select); coding-DNA position 5868, C replaced by T.
Protein change: p.Thr1956=; no amino-acid change (threonine 1956 retained).
Molecular consequence: synonymous variant.
Genome position (GRCh38, 1-based): chr9:449,834, C>T. VCF-style: chr9-449834-C-T. GRCh37 (hg19) VCF-style: chr9-449834-C-T.
Other names: c.5568C>T, p.Thr1856= (NM_001190458.2); c.5664C>T, p.Thr1888= (NM_001193536.2).
Identifiers: ClinVar variation 719182 (VCV000719182.12), dbSNP rs757384331, ClinGen allele CA4959572.